The following is an entry in ClinVar:

ClinVar aggregate classification (germline): Uncertain significance. Review status: criteria provided, multiple submitters, no conflicts (2 of 4 stars). 3 submissions from 3 submitters: Uncertain significance (3). Last evaluated 2025-12-03.

Conditions:
Early-infantile DEE. Also called: Ohtahara syndrome; Early infantile epileptic encephalopathy; Early infantile epileptic encephalopathy with suppression bursts. Identifiers: Orphanet 1934, MedGen C0393706, MONDO:0800491.
Inborn genetic diseases. Identifiers: MedGen C0950123, MeSH D030342.

Allele frequency attached by ClinVar (database versions not stated): ExAC 0.00001.

Submissions (3):

Labcorp Genetics (formerly Invitae), Labcorp
Classification: Uncertain significance for Early-infantile DEE. Last evaluated: 2025-12-03. Review status: criteria provided, single submitter. Criteria: Invitae Variant Classification Sherloc (09022015). Collection method: clinical testing. Allele origin: germline.
Comment: This sequence change replaces alanine, which is neutral and non-polar, with proline, which is neutral and non-polar, at codon 313 of the SPTAN1 protein (p.Ala313Pro). This variant is present in population databases (rs778408492, gnomAD 0.003%). This variant has not been reported in the literature in individuals affected with SPTAN1-related conditions. ClinVar contains an entry for this variant (Variation ID: 1312387). Invitae Evidence Modeling of protein sequence and biophysical properties (such as structural, functional, and spatial information, amino acid conservation, physicochemical variation, residue mobility, and thermodynamic stability) has been performed for this missense variant. However, the output from this modeling did not meet the statistical confidence thresholds required to predict the impact of this variant on SPTAN1 protein function. In summary, the available evidence is currently insufficient to determine the role of this variant in disease. Therefore, it has been classified as a Variant of Uncertain Significance.

Ambry Genetics
Classification: Uncertain significance for Inborn genetic diseases. Last evaluated: 2022-01-26. Review status: criteria provided, single submitter. Criteria: Ambry Variant Classification Scheme 2023. Collection method: clinical testing. Allele origin: germline.

GeneDx
Classification: Uncertain significance. Last evaluated: 2019-09-26. Review status: criteria provided, single submitter. Criteria: GeneDx Variant Classification Process June 2021. Collection method: clinical testing. Allele origin: germline. Affected: yes.
Comment: In silico analysis, which includes protein predictors and evolutionary conservation, supports that this variant does not alter protein structure/function; Has not been previously published as pathogenic or benign to our knowledge

NM_001130438.3(SPTAN1):c.937G>C (p.Ala313Pro)

Gene: SPTAN1 (spectrin alpha, non-erythrocytic 1; plus strand). Cytogenetic location: 9q34.11.
Variant type: single nucleotide variant.
Coding change: c.937G>C on transcript NM_001130438.3 (MANE Select); coding-DNA position 937, G replaced by C.
Protein change: p.Ala313Pro; replaces alanine 313 with proline.
Molecular consequence: missense variant.
Genome position (GRCh38, 1-based): chr9:128,577,358, G>C. VCF-style: chr9-128577358-G-C. GRCh37 (hg19) VCF-style: chr9-131339637-G-C.
Other names: c.937G>C, p.Ala313Pro (NM_001195532.2, NM_001363759.2, NM_001363765.2 and 5 more transcripts); c.973G>C, p.Ala325Pro (NM_001375312.2, NM_001375318.1); short protein forms A313P, A325P.
Identifiers: ClinVar variation 1312387 (VCV001312387.7), dbSNP rs778408492, ClinGen allele CA5264278.